The following is an entry in ClinVar:

ClinVar aggregate classification (germline): Pathogenic/Likely pathogenic. Review status: criteria provided, multiple submitters, no conflicts (2 of 4 stars). 16 submissions from 16 submitters: Pathogenic (5); Likely pathogenic (8). 3 of the submissions do not count toward it. Last evaluated 2026-05-08.

Conditions:
Autosomal dominant non-syndromic intellectual disability. Identifiers: Orphanet 178469, MedGen C5680502, MONDO:0015802.
POLG-related disorder. Also called: POLG-Related Spectrum Disorders; POLG-related condition; POLG-Related Disorders. Identifiers: MedGen C4763519.
Sensory ataxic neuropathy, dysarthria, and ophthalmoparesis (SANDO). Also called: Sensory ataxic neuropathy-dysarthria-ophthalmoparesis syndrome; Epilepsy, progressive myoclonic, type 5; Ataxia Neuropathy Spectrum (ANS); SENSORY ATAXIC NEUROPATHY WITH MITOCHONDRIAL DNA DELETIONS, AUTOSOMAL RECESSIVE. Identifiers: Orphanet 70595, MedGen C1843851, MONDO:0011835, OMIM 607459.
Progressive sclerosing poliodystrophy (MTDPS4A). Also called: Mitochondrial DNA depletion syndrome 4A (Alpers type); Mitochondrial DNA Depletion Syndrome 4A; Alpers-Huttenlocher Syndrome (AHS); NEURONAL DEGENERATION OF CHILDHOOD WITH LIVER DISEASE, PROGRESSIVE; ALPERS PROGRESSIVE INFANTILE POLIODYSTROPHY; Alpers-Huttenlocher Syndrome. Identifiers: Orphanet 726, MedGen C0205710, MONDO:0008758, OMIM 203700.
Mitochondrial DNA depletion syndrome 4b. Also called: Mitochondrial Neurogastrointestinal Encephalopathy Disease, POLG-Related; MNGIE, POLG-RELATED. Identifiers: Orphanet 298, MedGen C3150914, MONDO:0013350, OMIM 613662.
Progressive external ophthalmoplegia with mitochondrial DNA deletions, autosomal recessive 1 (PEOB1). Also called: Progressive external ophthalmoplegia, autosomal recessive 1; Autosomal Recessive Progressive External Ophthalmoplegia (arPEO). Identifiers: Orphanet 254886, MedGen C4225153, MONDO:0009783, OMIM 258450.
Progressive external ophthalmoplegia with mitochondrial DNA deletions, autosomal dominant 1 (PEOA1). Also called: PROGRESSIVE EXTERNAL OPHTHALMOPLEGIA, AUTOSOMAL DOMINANT 1; Autosomal Dominant Progressive External Ophthalmoplegia (adPEO). Identifiers: MedGen C1834846, MONDO:0024528, OMIM 157640.

Allele frequency attached by ClinVar (database versions not stated): TOPMed 0.00002.
gnomAD v4.1: 60 of 1,614,150 alleles (0.0037%); highest among the groups gnomAD compares: Middle Eastern, 0.049%; no homozygotes.

Submissions 1 to 7 of 16:

Victorian Clinical Genetics Services, Murdoch Childrens Research Institute
Classification: Pathogenic for Progressive external ophthalmoplegia with mitochondrial DNA deletions, autosomal recessive 1. Last evaluated: 2026-05-08. Review status: criteria provided, single submitter. Criteria: ACMG Guidelines, 2015. Collection method: clinical testing. Allele origin: germline. Affected: yes.
Comment: This variant is classified as Pathogenic. Evidence in support of pathogenic classification: Variant is present in gnomAD <0.01 (v4: 60 heterozygote(s), 0 homozygote(s)). An alternative nucleotide change resulting in the same protein outcome is also present in gnomAD (v4: 21 homozygotes, 0 homozygotes); This variant has strong previous evidence of pathogenicity in unrelated individuals. This variant, and another nucleotide change resulting in the same protein outcome, have been classified many times as likely pathogenic or pathogenic by clinical laboratories in ClinVar. Additionally, this protein change was reported in at least two individuals with mitochondrial depletion syndrome where a second pathogenic POLG variant was identified (PMID: 38831166, PMID: 28130605); Missense variant predicted to be damaging by in silico tool(s) or highly conserved with a major amino acid change. Additional information: Variant is predicted to result in a missense amino acid change from Gly to Arg; This variant is heterozygous; This gene is associated with both recessive and dominant disease. Variants are usually inherited in a recessive manner, however progressive external ophthalmoplegia can also be dominant when heterozygous variants are located in the highly conserved motif B active site of the polymerase domain (PMID: 30451971); Alternative amino acid change(s) at the same position are present in gnomAD (highest allele count: v4: 41 heterozygote(s), 0 homozygote(s)); Variant is located in the annotated polymerase domain (POLG mutation database); Loss of function is a known mechanism of disease in this gene and is associated with mitochondrial disease (MONDO:0044970), POLG-related; Variants in this gene are known to have variable expressivity (PMID: 20301791); Inheritance information for this variant is not currently available in this individual.

Variantyx, Inc.
Classification: Likely pathogenic for Progressive external ophthalmoplegia with mitochondrial DNA deletions, autosomal recessive 1. Last evaluated: 2025-12-16. Review status: criteria provided, single submitter. Criteria: Variantyx Assertion Criteria 2022. Collection method: clinical testing. Allele origin: germline. Inheritance: Autosomal recessive inheritance.
Comment: This is a nonsynonymous variant in the POLG gene (OMIM: 174763). Pathogenic variants in this gene have been associated with autosomal recessive progressive external ophthalmoplegia with mitochondrial DNA deletions 1. This variant has been identified in the compound heterozygous state in at least two unrelated individuals (PMID 14745080, 28130605) (PM3). Multiple computational algorithms predict a deleterious effect for this variant (REVEL score: 0.914) (PP3), and an alternate nucleotide substitution resulting in the same amino acid change (c.3151G>A; p.Gly1051Arg) has been previously reported as pathogenic (PMID: 14745080, 17980715) (PS1). This variant has a 0.0045% maximum allele frequency in non-founder control populations (PM2). Based on the current evidence, this variant is classified as likely pathogenic for autosomal recessive progressive external ophthalmoplegia with mitochondrial DNA deletions 1.

Labcorp Genetics (formerly Invitae), Labcorp
Classification: Pathogenic for Progressive sclerosing poliodystrophy. Last evaluated: 2025-11-04. Review status: criteria provided, single submitter. Criteria: Invitae Variant Classification Sherloc (09022015). Collection method: clinical testing. Allele origin: germline.
Comment: This sequence change replaces glycine, which is neutral and non-polar, with arginine, which is basic and polar, at codon 1051 of the POLG protein (p.Gly1051Arg). This variant is present in population databases (rs121918049, gnomAD 0.004%). This missense change has been observed in individual(s) with autosomal recessive POLG-related conditions (PMID: 14745080, 28130605, 30818899). In at least one individual the data is consistent with being in trans (on the opposite chromosome) from a pathogenic variant. It has also been observed to segregate with disease in related individuals. ClinVar contains an entry for this variant (Variation ID: 13501). Invitae Evidence Modeling of protein sequence and biophysical properties (such as structural, functional, and spatial information, amino acid conservation, physicochemical variation, residue mobility, and thermodynamic stability) indicates that this missense variant is expected to disrupt POLG protein function with a positive predictive value of 95%. Experimental studies have shown that this missense change affects POLG function (PMID: 17980715, 20185557). For these reasons, this variant has been classified as Pathogenic.

GeneDx
Classification: Pathogenic. Last evaluated: 2025-07-22. Review status: criteria provided, single submitter. Criteria: GeneDx Variant Classification Process June 2021. Collection method: clinical testing. Allele origin: germline. Affected: yes.
Comment: Observed with another pathogenic variant in POLG (phase unknown) in two siblings with developmental delay, epilepsy, ataxia, severe neuropathy, and/or achalasia (PMID: 28130605); Observed in an individual with sensory ataxia (PMID: 29482223); Published functional studies demonstrate a damaging effect, indicating that the G1051R variant results in increased mitochondrial DNA (mtDNA) instability and causes mtDNA defects (PMID: 17980715); In silico analysis supports that this missense variant has a deleterious effect on protein structure/function; Not observed at significant frequency in large population cohorts (gnomAD); This variant is associated with the following publications: (PMID: 38831166, 19010300, 14745080, 15913923, 20185557, 34426522, 32347949, 37470284, 36343308, 37202477, 27538665, 28130605, 17980715, 29482223, 37510298, 38871447, 40565516)

Women's Health and Genetics/Laboratory Corporation of America, LabCorp
Classification: Pathogenic for POLG-related disorder. Last evaluated: 2025-02-28. Review status: criteria provided, single submitter. Criteria: LabCorp Variant Classification Summary - May 2015. Collection method: clinical testing. Allele origin: germline.
Comment: Variant summary: POLG c.3151G>C (p.Gly1051Arg) results in a non-conservative amino acid change in the encoded protein sequence. Five of five in-silico tools predict a damaging effect of the variant on protein function. The variant allele was found at a frequency of 2e-05 in 251328 control chromosomes. c.3151G>C has been reported in the literature in individuals affected with POLG-Related Spectrum Disorders (e.g. Manusco_2004, Pozzo_2017, Coutelier_2018). This includes several patients with features of progressive external ophthalmoplegia who were compound heterozygous with pathogenic variants. These data indicate that the variant is likely to be associated with disease. At least one publication reports experimental evidence evaluating an impact of the equivalent mutation in yeast. This showed that the variant resulted in a substantial increase in mtDNA instability (Baruffini_2007). The following publications have been ascertained in the context of this evaluation (PMID: 14745080, 28130605, 17980715, 29482223). ClinVar contains an entry for this variant (Variation ID: 13501). Based on the evidence outlined above, the variant was classified as pathogenic.

Mayo Clinic Laboratories, Mayo Clinic
Classification: Likely pathogenic. Last evaluated: 2024-10-22. Review status: criteria provided, single submitter. Criteria: ACMG Guidelines, 2015. Collection method: clinical testing. Allele origin: germline. Observed: 2 variant alleles.
Comment: PP3_moderate + PM2_supporting + PS4_moderate +PM3

Fulgent Genetics
Classification: Likely pathogenic for Progressive external ophthalmoplegia with mitochondrial DNA deletions, autosomal dominant 1; Progressive sclerosing poliodystrophy; Progressive external ophthalmoplegia with mitochondrial DNA deletions, autosomal recessive 1; Sensory ataxic neuropathy, dysarthria, and ophthalmoparesis; Mitochondrial DNA depletion syndrome 4b. Last evaluated: 2024-06-11. Review status: criteria provided, single submitter. Criteria: ACMG Guidelines, 2015. Collection method: clinical testing. Allele origin: germline.

NM_002693.3(POLG):c.3151G>C (p.Gly1051Arg)

Gene: POLG (DNA polymerase gamma, catalytic subunit; minus strand). Cytogenetic location: 15q26.1.
Variant type: single nucleotide variant.
Coding change: c.3151G>C on transcript NM_002693.3 (MANE Select); coding-DNA position 3151, G replaced by C.
Protein change: p.Gly1051Arg; replaces glycine 1051 with arginine.
Molecular consequence: missense variant.
Genome position (GRCh38, 1-based): chr15:89,319,053, C>G on the plus strand (G>C on the coding strand, the complement: POLG is on the minus strand). VCF-style: chr15-89319053-C-G. GRCh37 (hg19) VCF-style: chr15-89862284-C-G.
Other names: c.3151G>C, p.Gly1051Arg (NM_001126131.2); short protein forms G1051R.
Identifiers: ClinVar variation 13501 (VCV000013501.41), dbSNP rs121918049, ClinGen allele CA256893.